The following is an entry in ClinVar:

NM_006904.7(PRKDC):c.324+5G>A

Gene: PRKDC (protein kinase, DNA-activated, catalytic subunit; minus strand). Cytogenetic location: 8q11.21.
Variant type: single nucleotide variant.
Coding change: c.324+5G>A on transcript NM_006904.7 (MANE Select); 5 bases into the intron after coding-DNA position 324, G replaced by A.
Molecular consequence: intron variant.
Genome position (GRCh38, 1-based): chr8:47,957,166, C>T on the plus strand (G>A on the coding strand, the complement: PRKDC is on the minus strand). VCF-style: chr8-47957166-C-T. GRCh37 (hg19) VCF-style: chr8-48869726-C-T.
Other names: c.324+5G>A (NM_001081640.2).
Identifiers: ClinVar variation 4711567 (VCV004711567.1).

ClinVar aggregate classification (germline): Uncertain significance (1 of 4 stars; one submission).

Conditions:
Severe combined immunodeficiency due to DNA-PKcs deficiency. Also called: IMMUNODEFICIENCY 26 WITH NEUROLOGIC ABNORMALITIES; Immunodeficiency 26 with or without neurologic abnormalities. Identifiers: Orphanet 317425, MedGen C4014833, MONDO:0014423, OMIM 615966.

Submission:

Labcorp Genetics (formerly Invitae), Labcorp
Classification: Uncertain significance for Severe combined immunodeficiency due to DNA-PKcs deficiency. Last evaluated: 2025-05-14. Review status: criteria provided, single submitter. Criteria: Invitae Variant Classification Sherloc (09022015). Collection method: clinical testing. Allele origin: germline.
Comment: This sequence change falls in intron 3 of the PRKDC gene. It does not directly change the encoded amino acid sequence of the PRKDC protein. It affects a nucleotide within the consensus splice site. This variant is not present in population databases (gnomAD no frequency). This variant has not been reported in the literature in individuals affected with PRKDC-related conditions. Variants that disrupt the consensus splice site are a relatively common cause of aberrant splicing (PMID: 17576681, 9536098). Algorithms developed to predict the effect of sequence changes on RNA splicing suggest that this variant is not likely to affect RNA splicing. In summary, the available evidence is currently insufficient to determine the role of this variant in disease. Therefore, it has been classified as a Variant of Uncertain Significance.

Literature cited by the submitters: PubMed 17576681; PubMed 9536098.